The following is an entry in ClinVar:

NM_025243.4(SLC19A3):c.1318T>G (p.Leu440Val)

Gene: SLC19A3 (solute carrier family 19 member 3; minus strand). Cytogenetic location: 2q36.3.
Variant type: single nucleotide variant.
Coding change: c.1318T>G on transcript NM_025243.4 (MANE Select); coding-DNA position 1318, T replaced by G.
Protein change: p.Leu440Val; replaces leucine 440 with valine.
Molecular consequence: missense variant.
Genome position (GRCh38, 1-based): chr2:227,687,570, A>C on the plus strand (T>G on the coding strand, the complement: SLC19A3 is on the minus strand). VCF-style: chr2-227687570-A-C. GRCh37 (hg19) VCF-style: chr2-228552286-A-C.
Other names: c.1318T>G, p.Leu440Val (NM_001371411.1, NM_001371412.1); c.1306T>G, p.Leu436Val (NM_001371413.1, NM_001371414.1); short protein forms L436V, L440V.
Identifiers: ClinVar variation 4535804 (VCV004535804.1).

ClinVar aggregate classification (germline): Uncertain significance (1 of 4 stars; one submission).

Submission:

Women's Health and Genetics/Laboratory Corporation of America, LabCorp
Classification: Uncertain significance. Last evaluated: 2025-09-04. Review status: criteria provided, single submitter. Criteria: LabCorp Variant Classification Summary - May 2015. Collection method: clinical testing. Allele origin: germline.
Comment: Variant summary: SLC19A3 c.1318T>G (p.Leu440Val) results in a conservative amino acid change in the encoded protein sequence. Algorithms developed to predict the effect of missense changes on protein structure and function are either unavailable or do not agree on the potential impact of this missense change. The variant was absent in 249948 control chromosomes. The available data on variant occurrences in the general population are insufficient to allow any conclusion about variant significance. These report(s) do not provide unequivocal conclusions about association of the variant with Basal ganglia disease, biotin-thiamine-responsive. To our knowledge, no experimental evidence demonstrating an impact on protein function has been reported. The following publication have been ascertained in the context of this evaluation (PMID: 35228337). No submitters have cited clinical-significance assessments for this variant to ClinVar. Based on the evidence outlined above, the variant was classified as uncertain significance.

Literature cited by the submitters: PubMed 35228337.